The following is an entry in ClinVar:

NM_001130823.3(DNMT1):c.2879A>G (p.Glu960Gly)

Gene: DNMT1 (DNA methyltransferase 1; minus strand). Cytogenetic location: 19p13.2.
Variant type: single nucleotide variant.
Coding change: c.2879A>G on transcript NM_001130823.3 (MANE Select); coding-DNA position 2879, A replaced by G.
Protein change: p.Glu960Gly; replaces glutamic acid 960 with glycine.
Molecular consequence: missense variant.
Genome position (GRCh38, 1-based): chr19:10,146,366, T>C on the plus strand (A>G on the coding strand, the complement: DNMT1 is on the minus strand). VCF-style: chr19-10146366-T-C. GRCh37 (hg19) VCF-style: chr19-10257042-T-C.
Other names: c.2831A>G, p.Glu944Gly (NM_001318730.2, NM_001379.4); c.2516A>G, p.Glu839Gly (NM_001318731.2); short protein forms E944G, E960G, E839G.
Identifiers: ClinVar variation 3663923 (VCV003663923.2).

ClinVar aggregate classification (germline): Uncertain significance (1 of 4 stars; one submission).

Conditions:
Hereditary sensory neuropathy-deafness-dementia syndrome. Also called: Hereditary sensory neuropathy type IE; HSN IE; NEUROPATHY, HEREDITARY SENSORY, WITH HEARING LOSS AND DEMENTIA; Hereditary Sensory and Autonomic Neuropathy Type 1E (HSAN1E). Identifiers: Orphanet 456318, MedGen C3279885, MONDO:0013584, OMIM 614116.

Submission:

Labcorp Genetics (formerly Invitae), Labcorp
Classification: Uncertain significance for Hereditary sensory neuropathy-deafness-dementia syndrome. Last evaluated: 2024-09-24. Review status: criteria provided, single submitter. Criteria: Invitae Variant Classification Sherloc (09022015). Collection method: clinical testing. Allele origin: germline.
Comment: This sequence change replaces glutamic acid, which is acidic and polar, with glycine, which is neutral and non-polar, at codon 960 of the DNMT1 protein (p.Glu960Gly). This variant is not present in population databases (gnomAD no frequency). This variant has not been reported in the literature in individuals affected with DNMT1-related conditions. Invitae Evidence Modeling of protein sequence and biophysical properties (such as structural, functional, and spatial information, amino acid conservation, physicochemical variation, residue mobility, and thermodynamic stability) indicates that this missense variant is not expected to disrupt DNMT1 protein function with a negative predictive value of 80%. In summary, the available evidence is currently insufficient to determine the role of this variant in disease. Therefore, it has been classified as a Variant of Uncertain Significance.